The following is an entry in ClinVar:

ClinVar aggregate classification (germline): Uncertain significance. Review status: criteria provided, multiple submitters, no conflicts (2 of 4 stars). 2 submissions from 2 submitters: Uncertain significance (2). Last evaluated 2024-10-08.

Conditions:
Multiple endocrine neoplasia, type 2 (MEN2). Identifiers: Orphanet 653, MedGen C4048306, MONDO:0019003. Disease mechanism: gain of function.
Hereditary cancer-predisposing syndrome. Also called: Neoplastic Syndromes, Hereditary; Tumor predisposition; Hereditary Cancer Syndrome; Hereditary neoplastic syndrome. Identifiers: Orphanet 140162, MedGen C0027672, MeSH D009386, MONDO:0015356.

Submissions (2):

Ambry Genetics
Classification: Uncertain significance for Hereditary cancer-predisposing syndrome. Last evaluated: 2024-10-08. Review status: criteria provided, single submitter. Criteria: Ambry Variant Classification Scheme 2023. Collection method: clinical testing. Allele origin: germline.
Comment: The p.R524K variant (also known as c.1571G>A), located in coding exon 8 of the RET gene, results from a G to A substitution at nucleotide position 1571. The arginine at codon 524 is replaced by lysine, an amino acid with highly similar properties. This amino acid position is conserved. In addition, the in silico prediction for this alteration is inconclusive. Based on the available evidence, the clinical significance of this variant remains unclear.

Labcorp Genetics (formerly Invitae), Labcorp
Classification: Uncertain significance for Multiple endocrine neoplasia, type 2. Last evaluated: 2023-12-05. Review status: criteria provided, single submitter. Criteria: Invitae Variant Classification Sherloc (09022015). Collection method: clinical testing. Allele origin: germline.
Comment: This sequence change replaces arginine, which is basic and polar, with lysine, which is basic and polar, at codon 524 of the RET protein (p.Arg524Lys). This variant is not present in population databases (gnomAD no frequency). This variant has not been reported in the literature in individuals affected with RET-related conditions. ClinVar contains an entry for this variant (Variation ID: 2024487). An algorithm developed to predict the effect of missense changes on protein structure and function (PolyPhen-2) suggests that this variant is likely to be tolerated. In summary, the available evidence is currently insufficient to determine the role of this variant in disease. Therefore, it has been classified as a Variant of Uncertain Significance.

NM_020975.6(RET):c.1571G>A (p.Arg524Lys)

Gene: RET (ret proto-oncogene; plus strand). Cytogenetic location: 10q11.21.
Variant type: single nucleotide variant.
Coding change: c.1571G>A on transcript NM_020975.6 (MANE Select); coding-DNA position 1571, G replaced by A.
Protein change: p.Arg524Lys; replaces arginine 524 with lysine.
Molecular consequence: missense variant.
Genome position (GRCh38, 1-based): chr10:43,112,147, G>A. VCF-style: chr10-43112147-G-A. GRCh37 (hg19) VCF-style: chr10-43607595-G-A.
Other names: c.1571G>A, p.Arg524Lys (NM_000323.2, NM_001406743.1, NM_001406744.1 and 6 more transcripts); c.809G>A, p.Arg270Lys (NM_001355216.2); c.1442G>A, p.Arg481Lys (NM_001406761.1, NM_001406762.1, NM_001406764.1 and 1 more transcripts); c.1283G>A, p.Arg428Lys (NM_001406766.1, NM_001406767.1, NM_001406770.1); c.1175G>A, p.Arg392Lys (NM_001406769.1, NM_001406772.1); c.1133G>A, p.Arg378Lys (NM_001406771.1, NM_001406773.1); c.674G>A, p.Arg225Lys (NM_001406782.1, NM_001406785.1, NM_001406787.1 and 3 more transcripts); c.545G>A, p.Arg182Lys (NM_001406783.1, NM_001406786.1); and 5 more; short protein forms R194K, R270K, R349K, R225K, R282K, R378K, R481K, R524K.
Identifiers: ClinVar variation 2024487 (VCV002024487.5), dbSNP rs2132798459, ClinGen allele CA376550431.
Genomic context (GRCh38, chr10:43,112,147, plus strand): 5'-TGCCACCTGCAGATGTGGCCGAGGAGGCGGGCTGCCCCCTGTCCTGTGCAGTCAGCAAGA[G>A]ACGGCTGGAGTGTGAGGAGTGTGGCGGCCTGGGCTCCCCAACAGGCAGGTGTGAGTGGAG-3'
Protein context (NP_066124.1, residues 514-534): GCPLSCAVSK[Arg524Lys]RLECEECGGL